The following is an entry in ClinVar:

ClinVar aggregate classification (germline): Likely pathogenic. Review status: criteria provided, multiple submitters, no conflicts (2 of 4 stars). 6 submissions from 6 submitters: Likely pathogenic (6). Last evaluated 2026-02-01.

Conditions:
Muscular dystrophy-dystroglycanopathy (congenital with brain and eye anomalies), type a, 11 (MDDGA11). Also called: Congenital muscular dystrophy-dystroglycanopathy with brain and eye anomalies, type A11; Muscular dystrophy-dystroglycanopathy (congenital with brain and eye anomalies, type A, 11; WALKER-WARBURG SYNDROME OR MUSCLE-EYE-BRAIN DISEASE, B3GALNT2-RELATED. Identifiers: Orphanet 588, Orphanet 899, MedGen C3554638, MONDO:0014071, OMIM 615181.
B3GALNT2-related disorders.
Inborn genetic diseases. Identifiers: MedGen C0950123, MeSH D030342.

Allele frequency attached by ClinVar (database versions not stated): gnomAD 0.00001; gnomAD exomes 0.00002 and 0.00005; TOPMed 0.00002; ExAC 0.00004.

Submissions (6):

Labcorp Genetics (formerly Invitae), Labcorp
Classification: Likely pathogenic for Muscular dystrophy-dystroglycanopathy (congenital with brain and eye anomalies), type a, 11. Last evaluated: 2026-02-01. Review status: criteria provided, single submitter. Criteria: Invitae Variant Classification Sherloc (09022015). Collection method: clinical testing. Allele origin: germline.
Comment: This sequence change affects a donor splice site in intron 6 of the B3GALNT2 gene. It is expected to disrupt RNA splicing. Variants that disrupt the donor or acceptor splice site typically lead to a loss of protein function (PMID: 16199547), and loss-of-function variants in B3GALNT2 are known to be pathogenic (PMID: 23453667). This variant is present in population databases (rs757347274, gnomAD 0.09%). Disruption of this splice site has been observed in individual(s) with clinical features of B3GALNT2-related conditions (PMID: 31130284). ClinVar contains an entry for this variant (Variation ID: 522103). Algorithms developed to predict the effect of sequence changes on RNA splicing suggest that this variant may disrupt the consensus splice site. In summary, the currently available evidence indicates that the variant is pathogenic, but additional data are needed to prove that conclusively. Therefore, this variant has been classified as Likely Pathogenic.

GeneDx
Classification: Likely pathogenic. Last evaluated: 2025-10-10. Review status: criteria provided, single submitter. Criteria: GeneDx Variant Classification Process June 2021. Collection method: clinical testing. Allele origin: germline. Affected: yes.
Comment: Canonical splice site variant predicted to result in an in-frame loss of the adjacent exon in a gene for which loss of function is a known mechanism of disease; Not observed at significant frequency in large population cohorts (gnomAD); Has not been previously published as pathogenic or benign to our knowledge

Revvity Omics, Revvity
Classification: Likely pathogenic for Muscular dystrophy-dystroglycanopathy (congenital with brain and eye anomalies), type a, 11. Last evaluated: 2024-02-12. Review status: criteria provided, single submitter. Criteria: ACMG Guidelines, 2015. Collection method: clinical testing. Allele origin: germline.

Blueprint Genetics
Classification: Likely pathogenic for B3GALNT2-related disorders. Last evaluated: 2021-02-25. Review status: criteria provided, single submitter. Criteria: ACMG Guidelines, 2015. Collection method: clinical testing. Allele origin: germline. Affected: yes. Observed: 3 variant alleles.

Fulgent Genetics
Classification: Likely pathogenic for Muscular dystrophy-dystroglycanopathy (congenital with brain and eye anomalies), type a, 11. Last evaluated: 2018-10-31. Review status: criteria provided, single submitter. Criteria: ACMG Guidelines, 2015. Collection method: clinical testing. Allele origin: unknown.

Ambry Genetics
Classification: Likely pathogenic for Inborn genetic diseases. Last evaluated: 2017-09-29. Review status: criteria provided, single submitter. Criteria: Ambry exome assertion method (8-5-2015). Collection method: clinical testing. Allele origin: germline. Affected: yes. Observed: 1 variant allele.

Literature cited by the submitters: PubMed 16199547 (cited by Labcorp Genetics (formerly Invitae), Labcorp); PubMed 23453667 (cited by Labcorp Genetics (formerly Invitae), Labcorp); PubMed 31130284 (cited by Labcorp Genetics (formerly Invitae), Labcorp).

NM_152490.5(B3GALNT2):c.762+1G>A

Gene: B3GALNT2 (beta-1,3-N-acetylgalactosaminyltransferase 2; minus strand). Cytogenetic location: 1q42.3.
Variant type: single nucleotide variant.
Coding change: c.762+1G>A on transcript NM_152490.5 (MANE Select); the canonical splice donor site of the intron after coding-DNA position 762, G replaced by A.
Molecular consequence: splice donor variant.
Genome position (GRCh38, 1-based): chr1:235,470,849, C>T on the plus strand (G>A on the coding strand, the complement: B3GALNT2 is on the minus strand). VCF-style: chr1-235470849-C-T. GRCh37 (hg19) VCF-style: chr1-235634163-C-T.
Other names: c.885+1G>A (NM_001277155.3).
Identifiers: ClinVar variation 522103 (VCV000522103.18), dbSNP rs757347274, ClinGen allele CA1464813.